The following continues an entry in ClinVar:

NM_000051.4(ATM):c.1464G>T (p.Trp488Cys)

Gene: ATM. ClinVar aggregate classification (germline): Conflicting classifications of pathogenicity. Uncertain significance (11); Likely benign (2).

Submissions 14 to 17 of 17:

Department of Pathology and Laboratory Medicine, Sinai Health System
Classification: Uncertain significance for Malignant tumor of breast. Review status: no assertion criteria provided. Collection method: clinical testing. Allele origin: unknown. Affected: yes. Study: The Canadian Open Genetics Repository (COGR). Not counted in ClinVar's aggregate classification.
Comment: The ATM p.Trp488Cys variant was identified in 2 of 6688 proband chromosomes (frequency: 0.0003) from individuals or families with breast and ovarian cancer and was present in 1 of 4490 control chromosomes (frequency: 0.0002) from healthy individuals (Castera 2014, Tavtigian 2009, Yorczyk 2015). The variant was also identified in dbSNP (ID: rs377597949) as â€šÃ„ÃºWith Uncertain significance alleleâ€šÃ„Ã¹, and in ClinVar (classified as uncertain significance by Ambry Genetics, GeneDx, Invitae and Fulgent Genetics). The variant was not identified in the COGR, Cosmic, MutDB, or LOVD 3.0 databases. The variant was identified in control databases in 5 of 277070 chromosomes at a frequency of 0.00002 (Genome Aggregation Database Feb 27, 2017). The variant was observed in the following populations: Latino in 2 of 34408 chromosomes (freq: 0.0001), and European in 3 of 126594 chromosomes (freq: 0.00002); it was not observed in the African, Other, Ashkenazi Jewish, East Asian, Finnish, and South Asian populations. The p.Trp488 residue is conserved across mammals and other organisms, and computational analyses (PolyPhen-2, SIFT, AlignGVGD, BLOSUM, MutationTaster) suggest that the variant may impact the protein; however, this information is not predictive enough to assume pathogenicity. The variant occurs outside of the splicing consensus sequence and 1 of 5 in silico or computational prediction software programs (SpliceSiteFinder, MaxEntScan, NNSPLICE, GeneSplicer, HumanSpliceFinder) predict a greater than 10% difference in splicing; this is not very predictive of pathogenicity. In summary, based on the above information the clinical significance of this variant cannot be determined with certainty at this time. This variant is classified as a variant of uncertain significance.

Diagnostic Laboratory, Department of Genetics, University Medical Center Groningen
Classification: Uncertain significance. Review status: no assertion criteria provided. Collection method: clinical testing. Allele origin: germline. Affected: yes. Study: VKGL Data-share Consensus. Not counted in ClinVar's aggregate classification.

Genome Diagnostics Laboratory, Amsterdam University Medical Center
Classification: Uncertain significance. Review status: no assertion criteria provided. Collection method: clinical testing. Allele origin: germline. Affected: yes. Study: VKGL Data-share Consensus. Not counted in ClinVar's aggregate classification.

Joint Genome Diagnostic Labs from Nijmegen and Maastricht, Radboudumc and MUMC+
Classification: Uncertain significance. Review status: no assertion criteria provided. Collection method: clinical testing. Allele origin: germline. Affected: yes. Study: VKGL Data-share Consensus. Not counted in ClinVar's aggregate classification.

Literature cited by the submitters: PubMed 19781682 (cited by Color Diagnostics, LLC DBA Color Health); PubMed 24549055 (cited by 3 submitters); PubMed 25318351 (cited by Color Diagnostics, LLC DBA Color Health and Women's Health and Genetics/Laboratory Corporation of America, LabCorp); PubMed 26787654 (cited by 3 submitters); PubMed 27913932 (cited by 4 submitters); PubMed 28779002 (cited by Color Diagnostics, LLC DBA Color Health and Ambry Genetics); PubMed 30287823 (cited by 4 submitters); PubMed 30303537 (cited by 4 submitters); PubMed 33436325 (cited by Color Diagnostics, LLC DBA Color Health); PubMed 33471991 (cited by Color Diagnostics, LLC DBA Color Health and Sema4); PubMed 34326862 (cited by Color Diagnostics, LLC DBA Color Health); PubMed 29665859 (cited by 3 submitters).